The following is an entry in ClinVar:

NM_138694.4(PKHD1):c.5574T>G (p.Phe1858Leu)

Gene: PKHD1 (PKHD1 ciliary IPT domain containing fibrocystin/polyductin; minus strand). Cytogenetic location: 6p12.2.
Variant type: single nucleotide variant.
Coding change: c.5574T>G on transcript NM_138694.4 (MANE Select); coding-DNA position 5574, T replaced by G.
Protein change: p.Phe1858Leu; replaces phenylalanine 1858 with leucine.
Molecular consequence: missense variant.
Genome position (GRCh38, 1-based): chr6:52,017,436, A>C on the plus strand (T>G on the coding strand, the complement: PKHD1 is on the minus strand). VCF-style: chr6-52017436-A-C. GRCh37 (hg19) VCF-style: chr6-51882234-A-C.
Other names: c.5574T>G, p.Phe1858Leu (NM_170724.3); short protein forms F1858L.
Identifiers: ClinVar variation 598398 (VCV000598398.12), dbSNP rs1562140096, ClinGen allele CA364425451.

ClinVar aggregate classification (germline): Uncertain significance. Review status: criteria provided, multiple submitters, no conflicts (2 of 4 stars). 4 submissions from 4 submitters: Uncertain significance (3). 1 of the submissions does not count toward it. Last evaluated 2024-10-18.

Conditions:
PKHD1-related disorder. Also called: PKHD1-related condition.
Autosomal recessive polycystic kidney disease (ARPKD). Also called: AR polycystic kidney disease. Identifiers: Orphanet 731, Orphanet 8378, MedGen C0085548, MeSH D017044, MONDO:0009889.

Submissions (4):

PreventionGenetics, part of Exact Sciences
Classification: Uncertain significance for PKHD1-related condition. Last evaluated: 2024-10-18. Review status: criteria provided, single submitter. Criteria: ACMG Guidelines, 2015. Collection method: clinical testing. Allele origin: germline.
Comment: The PKHD1 c.5574T>G variant is predicted to result in the amino acid substitution p.Phe1858Leu. To our knowledge, this variant has not been reported in the literature or in a large population database (gnomAD), indicating this variant is rare. At this time, the clinical significance of this variant is uncertain due to the absence of conclusive functional and genetic evidence.

Labcorp Genetics (formerly Invitae), Labcorp
Classification: Uncertain significance for Autosomal recessive polycystic kidney disease. Last evaluated: 2024-10-08. Review status: criteria provided, single submitter. Criteria: Invitae Variant Classification Sherloc (09022015). Collection method: clinical testing. Allele origin: germline.
Comment: This sequence change replaces phenylalanine, which is neutral and non-polar, with leucine, which is neutral and non-polar, at codon 1858 of the PKHD1 protein (p.Phe1858Leu). This variant is not present in population databases (gnomAD no frequency). This variant has not been reported in the literature in individuals affected with PKHD1-related conditions. ClinVar contains an entry for this variant (Variation ID: 598398). Invitae Evidence Modeling of protein sequence and biophysical properties (such as structural, functional, and spatial information, amino acid conservation, physicochemical variation, residue mobility, and thermodynamic stability) indicates that this missense variant is not expected to disrupt PKHD1 protein function with a negative predictive value of 95%. In summary, the available evidence is currently insufficient to determine the role of this variant in disease. Therefore, it has been classified as a Variant of Uncertain Significance.

Eurofins Ntd Llc (ga)
Classification: Uncertain significance. Last evaluated: 2018-08-14. Review status: criteria provided, single submitter. Criteria: EGL ClinVar v180209 classification definitions. Collection method: clinical testing. Allele origin: germline. Observed: 1 variant allele, 1 heterozygote.

Natera, Inc.
Classification: Uncertain significance for Autosomal recessive polycystic kidney disease. Last evaluated: 2020-09-16. Review status: no assertion criteria provided. Collection method: clinical testing. Allele origin: germline. Not counted in ClinVar's aggregate classification.